The following is an entry in ClinVar:

NM_201253.3(CRB1):c.99G>T (p.Arg33Ser)

Gene: CRB1 (crumbs cell polarity complex component 1; plus strand). Cytogenetic location: 1q31.3.
Variant type: single nucleotide variant.
Coding change: c.99G>T on transcript NM_201253.3 (MANE Select); coding-DNA position 99, G replaced by T.
Protein change: p.Arg33Ser; replaces arginine 33 with serine.
Molecular consequence: missense variant. On other transcripts: 5 prime UTR variant (1), non-coding transcript variant (2).
Genome position (GRCh38, 1-based): chr1:197,328,450, G>T. VCF-style: chr1-197328450-G-T. GRCh37 (hg19) VCF-style: chr1-197297580-G-T.
Other names: c.99G>T, p.Arg33Ser (NM_001193640.2, NM_001257966.2); c.-109G>T (NM_001257965.2); short protein forms R33S.
Identifiers: ClinVar variation 100609 (VCV000100609.16), dbSNP rs59691602, ClinGen allele CA228954.

ClinVar aggregate classification (germline): Conflicting classifications of pathogenicity. Review status: criteria provided, conflicting classifications (1 of 4 stars). 6 submissions from 4 submitters: Uncertain significance (2); Benign (3). 1 of the submissions does not count toward it. Last evaluated 2026-02-01.

Conditions:
Leber congenital amaurosis 8 (LCA8). Identifiers: Orphanet 65, MedGen C3151202, MONDO:0013453, OMIM 613835.
Retinitis pigmentosa 12 (RP12). Also called: RP WITH OR WITHOUT PRESERVED PARAARTERIOLE RETINAL PIGMENT EPITHELIUM; RETINITIS PIGMENTOSA WITH OR WITHOUT PARAARTERIOLAR PRESERVATION OF RETINAL PIGMENT EPITHELIUM; RP WITH OR WITHOUT PPRPE. Identifiers: Orphanet 791, MedGen C1838647, MONDO:0010818, OMIM 600105.
Retinitis pigmentosa (RP). Identifiers: Orphanet 791, MedGen C0035334, MeSH D012174, MONDO:0019200, OMIM 268000. Inheritance: Autosomal dominant, autosomal recessive and X linked inheritance.
Pigmented paravenous retinochoroidal atrophy. Identifiers: Orphanet 251295, MedGen C1868310, MONDO:0008246, OMIM 172870.

Allele frequency attached by ClinVar (database versions not stated): 1000 Genomes Project 0.00599; gnomAD 0.00601 and 0.00655; TOPMed 0.00655; ESP Exome Variant Server 0.00661; 1000 Genomes Project 30x 0.00703.
gnomAD v4.1: 1,791 of 1,613,906 alleles (0.11%); highest among the groups gnomAD compares: African/African-American, 2.1%; 20 homozygotes.

Submissions (6):

Labcorp Genetics (formerly Invitae), Labcorp
Classification: Benign for Leber congenital amaurosis 8; Retinitis pigmentosa 12. Last evaluated: 2026-02-01. Review status: criteria provided, single submitter. Criteria: Invitae Variant Classification Sherloc (09022015). Collection method: clinical testing. Allele origin: germline.

Illumina Laboratory Services, Illumina
Classification: Uncertain significance for Retinitis pigmentosa. Last evaluated: 2018-01-12. Review status: criteria provided, single submitter. Criteria: ICSL Variant Classification Criteria 13 December 2019. Collection method: clinical testing. Allele origin: germline.

Illumina Laboratory Services, Illumina
Classification: Benign for Pigmented paravenous retinochoroidal atrophy. Last evaluated: 2018-01-12. Review status: criteria provided, single submitter. Criteria: ICSL Variant Classification Criteria 13 December 2019. Collection method: clinical testing. Allele origin: germline.
Comment: This variant was observed in the ICSL laboratory as part of a predisposition screen in an ostensibly healthy population. It had not been previously curated by ICSL or reported in the Human Gene Mutation Database (HGMD: prior to June 1st, 2018), and was therefore a candidate for classification through an automated scoring system. Utilizing variant allele frequency, disease prevalence and penetrance estimates, and inheritance mode, an automated score was calculated to assess if this variant is too frequent to cause the disease. Based on the score and internal cut-off values, a variant classified as benign is not then subjected to further curation. The score for this variant resulted in a classification of benign for this disease.

Illumina Laboratory Services, Illumina
Classification: Uncertain significance for Leber congenital amaurosis 8. Last evaluated: 2018-01-12. Review status: criteria provided, single submitter. Criteria: ICSL Variant Classification Criteria 13 December 2019. Collection method: clinical testing. Allele origin: germline.

GeneDx
Classification: Benign. Last evaluated: 2015-03-03. Review status: criteria provided, single submitter. Criteria: GeneDx Variant Classification Process June 2021. Collection method: clinical testing. Allele origin: germline. Affected: yes.

NEI Ophthalmic Genomics Laboratory, National Institutes of Health
No classification provided. Review status: no classification provided. Collection method: not provided. Allele origin: not provided. Not counted in ClinVar's aggregate classification.